The following is an entry in ClinVar:

ClinVar aggregate classification (germline): Pathogenic (1 of 4 stars; one submission).

Conditions:
Glycogen storage disease, type V (GSD5). Also called: McArdle type glycogen storage disease; PYGM DEFICIENCY; MCARDLE DISEASE; MUSCLE GLYCOGEN PHOSPHORYLASE DEFICIENCY; MYOPHOSPHORYLASE DEFICIENCY. Identifiers: Orphanet 368, MedGen C0017924, MONDO:0009293, OMIM 232600.

Allele frequency attached by ClinVar (database versions not stated): gnomAD exomes below 0.00001.

Submission:

Labcorp Genetics (formerly Invitae), Labcorp
Classification: Pathogenic for Glycogen storage disease, type V. Last evaluated: 2021-02-02. Review status: criteria provided, single submitter. Criteria: Invitae Variant Classification Sherloc (09022015). Collection method: clinical testing. Allele origin: germline.
Comment: For these reasons, this variant has been classified as Pathogenic. This variant has not been reported in the literature in individuals with PYGM-related conditions. This variant is not present in population databases (ExAC no frequency). This sequence change creates a premature translational stop signal (p.Tyr53Thrfs*36) in the PYGM gene. It is expected to result in an absent or disrupted protein product. Loss-of-function variants in PYGM are known to be pathogenic (PMID: 8316268, 16786513).

Literature cited by the submitters: PubMed 8316268; PubMed 16786513.

NM_005609.4(PYGM):c.157del (p.Tyr53fs)

Gene: PYGM (glycogen phosphorylase, muscle associated; minus strand). Cytogenetic location: 11q13.1.
Variant type: Deletion.
Coding change: c.157del on transcript NM_005609.4 (MANE Select); coding-DNA position 157, one base deleted (T; older notation c.157delT).
Protein change: p.Tyr53fs; shifts the reading frame from tyrosine 53.
Molecular consequence: frameshift variant.
Genome position (GRCh38, 1-based): chr11:64,759,742, A deleted on the plus strand (T on the coding strand, the reverse complement: PYGM is on the minus strand). VCF-style (leftmost placement, unchanged base first): chr11-64759741-TA-T. GRCh37 (hg19) VCF-style: chr11-64527213-TA-T.
Other names: c.157del, p.Tyr53fs (NM_001164716.1); short protein forms Y53fs.
Identifiers: ClinVar variation 1377601 (VCV001377601.6), dbSNP rs2135842587, ClinGen allele CA2573147417.